The following is an entry in ClinVar:

NM_000824.5(GLRB):c.511G>A (p.Val171Ile)

Gene: GLRB (glycine receptor beta; plus strand). Cytogenetic location: 4q32.1.
Variant type: single nucleotide variant.
Coding change: c.511G>A on transcript NM_000824.5 (MANE Select); coding-DNA position 511, G replaced by A.
Protein change: p.Val171Ile; replaces valine 171 with isoleucine.
Molecular consequence: missense variant.
Genome position (GRCh38, 1-based): chr4:157,136,682, G>A. VCF-style: chr4-157136682-G-A. GRCh37 (hg19) VCF-style: chr4-158057834-G-A.
Other names: c.511G>A (NM_000824.4); c.511G>A, p.Val171Ile (NM_001166060.2, NM_001166061.2); short protein forms V171I.
Identifiers: ClinVar variation 1479336 (VCV001479336.5), dbSNP rs138787100, ClinGen allele CA3119770.
Genomic context (GRCh38, chr4:157,136,682, plus strand): 5'-GCCAATTTTCATGATGTGACCCAGGAAAACATCCTCCTCTTTATTTTTCGTGATGGAGAT[G>A]TCCTTGTCAGCATGAGGTACTCTTTTATATTTCATATTTGTGCATTTATATTTTCCTTCT-3'
Protein context (NP_000815.1, residues 161-181): ILLFIFRDGD[Val171Ile]LVSMRLSITL

ClinVar aggregate classification (germline): Uncertain significance. Review status: criteria provided, multiple submitters, no conflicts (2 of 4 stars). 2 submissions from 2 submitters: Uncertain significance (2). Last evaluated 2024-10-22.

Conditions:
Inborn genetic diseases. Identifiers: MedGen C0950123, MeSH D030342.
Hyperekplexia 2 (HKPX2). Identifiers: Orphanet 3197, MedGen C3553291, MONDO:0013828, OMIM 614619.

Allele frequency attached by ClinVar (database versions not stated): ExAC 0.00001; gnomAD 0.00001; gnomAD exomes 0.00002 and 0.00003; ESP Exome Variant Server 0.00008.

Submissions (2):

Labcorp Genetics (formerly Invitae), Labcorp
Classification: Uncertain significance for Hyperekplexia 2. Last evaluated: 2024-10-22. Review status: criteria provided, single submitter. Criteria: Invitae Variant Classification Sherloc (09022015). Collection method: clinical testing. Allele origin: germline.
Comment: This sequence change replaces valine, which is neutral and non-polar, with isoleucine, which is neutral and non-polar, at codon 171 of the GLRB protein (p.Val171Ile). This variant is present in population databases (rs138787100, gnomAD 0.003%). This variant has not been reported in the literature in individuals affected with GLRB-related conditions. ClinVar contains an entry for this variant (Variation ID: 1479336). Invitae Evidence Modeling of protein sequence and biophysical properties (such as structural, functional, and spatial information, amino acid conservation, physicochemical variation, residue mobility, and thermodynamic stability) indicates that this missense variant is not expected to disrupt GLRB protein function with a negative predictive value of 80%. In summary, the available evidence is currently insufficient to determine the role of this variant in disease. Therefore, it has been classified as a Variant of Uncertain Significance.

Ambry Genetics
Classification: Uncertain significance for Inborn genetic diseases. Last evaluated: 2024-05-28. Review status: criteria provided, single submitter. Criteria: Ambry Variant Classification Scheme 2023. Collection method: clinical testing. Allele origin: germline.